The following is an entry in ClinVar:

NM_206933.4(USH2A):c.13742del (p.His4581fs)

Gene: USH2A (usherin; minus strand). Cytogenetic location: 1q41.
Variant type: Deletion.
Coding change: c.13742del on transcript NM_206933.4 (MANE Select); coding-DNA position 13742, one base deleted (A; older notation c.13742delA).
Protein change: p.His4581fs; shifts the reading frame from histidine 4581.
Molecular consequence: frameshift variant.
Genome position (GRCh38, 1-based): chr1:215,674,169, T deleted on the plus strand (A on the coding strand, the reverse complement: USH2A is on the minus strand). VCF-style (leftmost placement, unchanged base first): chr1-215674168-GT-G. GRCh37 (hg19) VCF-style: chr1-215847510-GT-G.
Other names: c.13742delA (NM_206933.2); c.13742del (NM_206933.2); short protein forms H4581fs.
Identifiers: ClinVar variation 1075686 (VCV001075686.12), dbSNP rs1476222580, ClinGen allele CA529002035.

ClinVar aggregate classification (germline): Pathogenic/Likely pathogenic. Review status: criteria provided, multiple submitters, no conflicts (2 of 4 stars). 5 submissions from 5 submitters: Pathogenic (1); Likely pathogenic (4). Last evaluated 2026-07-07.

Conditions:
Retinitis pigmentosa 39 (RP39). Identifiers: Orphanet 791, MedGen C3151138, MONDO:0013436, OMIM 613809.
Usher syndrome type 2A. Also called: RETINAL DISEASE IN USHER SYNDROME TYPE IIA, MODIFIER OF; USHER SYNDROME, TYPE IIA. Identifiers: Orphanet 231178, Orphanet 886, MedGen C1848634, MONDO:0010169, OMIM 276901.
USH2A-related disorder. Also called: USH2A-related disorders; USH2A-related condition. Identifiers: MedGen CN239332.

Allele frequency attached by ClinVar (database versions not stated): gnomAD exomes below 0.00001; gnomAD 0.00001; TOPMed 0.00001.

Submissions (5):

PreventionGenetics, part of Exact Sciences
Classification: Likely pathogenic for USH2A-related condition. Last evaluated: 2026-07-07. Review status: criteria provided, single submitter. Criteria: ACMG Guidelines, 2015. Collection method: clinical testing. Allele origin: germline.
Comment: The USH2A c.13742delA variant is predicted to result in a frameshift and premature protein termination (p.His4581Profs*2). To our knowledge, this variant has not been reported in the literature. This variant is reported in 0.0080% of alleles in individuals of African descent in gnomAD. Frameshift variants in USH2A are expected to be pathogenic. This variant is interpreted as likely pathogenic.

Natera, Inc.
Classification: Likely pathogenic for Usher syndrome type 2A. Last evaluated: 2025-09-22. Review status: criteria provided, single submitter. Criteria: Natera Variant Classification Schema (03/2026). Collection method: clinical testing. Allele origin: germline.
Comment: The c.13742del variant in USH2A is a frameshift variant predicted to shift the reading frame beginning at codon 4581 and leads to a stop codon 2 codons downstream. This variant is expected to result in nonsense mediated decay, truncation, or a dysfunctional protein product. This variant is rare in the general population with a frequency below the threshold expected for the associated phenotype(s). Given the available evidence, this variant is classified as Likely Pathogenic.

Labcorp Genetics (formerly Invitae), Labcorp
Classification: Pathogenic. Last evaluated: 2024-10-24. Review status: criteria provided, single submitter. Criteria: Invitae Variant Classification Sherloc (09022015). Collection method: clinical testing. Allele origin: germline.
Comment: This sequence change creates a premature translational stop signal (p.His4581Profs*2) in the USH2A gene. It is expected to result in an absent or disrupted protein product. Loss-of-function variants in USH2A are known to be pathogenic (PMID: 10729113, 10909849, 20507924, 25649381). This variant is present in population databases (no rsID available, gnomAD 0.01%). This variant has not been reported in the literature in individuals affected with USH2A-related conditions. ClinVar contains an entry for this variant (Variation ID: 1075686). For these reasons, this variant has been classified as Pathogenic.

Blueprint Genetics
Classification: Likely pathogenic for USH2A-related disorders. Last evaluated: 2024-05-21. Review status: criteria provided, single submitter. Criteria: ACMG Guidelines, 2015. Collection method: clinical testing. Allele origin: germline. Affected: yes. Observed: 1 variant allele.

Baylor Genetics
Classification: Likely pathogenic for Retinitis pigmentosa 39. Last evaluated: 2024-03-01. Review status: criteria provided, single submitter. Criteria: ACMG Guidelines, 2015. Collection method: clinical testing. Allele origin: unknown.

Literature cited by the submitters: PubMed 10729113 (cited by Labcorp Genetics (formerly Invitae), Labcorp); PubMed 10909849 (cited by Labcorp Genetics (formerly Invitae), Labcorp); PubMed 20507924 (cited by Labcorp Genetics (formerly Invitae), Labcorp); PubMed 25649381 (cited by Labcorp Genetics (formerly Invitae), Labcorp).